The following is an entry in ClinVar:

NM_000038.6(APC):c.594dup (p.Ala199fs)

Gene: APC (APC regulator of Wnt signaling pathway; plus strand). Cytogenetic location: 5q22.2.
Variant type: Duplication.
Coding change: c.594dup on transcript NM_000038.6 (MANE Select); coding-DNA position 594, one base duplicated (T; older notation c.594dupT).
Protein change: p.Ala199fs; shifts the reading frame from alanine 199.
Molecular consequence: frameshift variant. On other transcripts: 5 prime UTR variant (1).
Genome position (GRCh38, 1-based): chr5:112,780,852, T duplicated; the last of 2 consecutive T bases (chr5:112,780,851-112,780,852); duplicating either gives the same sequence. VCF-style (leftmost placement, unchanged base first): chr5-112780850-G-GT. GRCh37 (hg19) VCF-style: chr5-112116547-G-GT.
Other names: c.594dupT (NM_000038.5); c.594dup, p.Ala199fs (NM_001127510.3, NM_001354895.2, NM_001354896.2 and 2 more transcripts); c.624dup, p.Ala209fs (NM_001127511.3, NM_001354897.2, NM_001354902.2); c.519dup, p.Ala174fs (NM_001354898.2, NM_001354904.2); c.417dup, p.Ala140fs (NM_001354900.2, NM_001354901.2, NM_001354905.2); c.-442dup (NM_001354906.2); short protein forms A174fs, A209fs, A140fs, A199fs.
Identifiers: ClinVar variation 433607 (VCV000433607.2), dbSNP rs1554072616, ClinGen allele CA645372777.

ClinVar aggregate classification (germline): Pathogenic (0 of 4 stars; one submission).

Conditions:
Carcinoma of colon (CRC). Also called: Colon carcinoma; Colonic carcinoma. Identifiers: MedGen C0699790, MONDO:0002032.

Submission:

Department of Pathology and Laboratory Medicine, Sinai Health System
Classification: Pathogenic for Carcinoma of colon. Review status: no assertion criteria provided. Collection method: clinical testing. Allele origin: unknown. Affected: yes. Study: The Canadian Open Genetics Repository (COGR).
Comment: The p.Ala199CysfsX53 variant has not been identified in the literature or in the public databases. The p.Ala199CysfsX53 variant is predicted to cause a frameshift, which alters the protein's amino acid sequence beginning at codon 199, leading to a premature stop codon 53 amino acids downstream, thus overall resulting in a truncated or absent APC protein. Loss of function of the APC gene is an established disease mechanism in familial colorectal polyposis patients, In summary, based on the above information, this variant is classified as pathogenic.